The following is an entry in ClinVar:

NM_013336.4(SEC61A1):c.619A>G (p.Met207Val)

Genes: RUVBL1 (RuvB like AAA ATPase 1; minus strand), SEC61A1 (SEC61 translocon subunit alpha 1; plus strand). Cytogenetic location: 3q21.3.
Variant type: single nucleotide variant.
Coding change: c.619A>G on transcript NM_013336.4 (MANE Select); coding-DNA position 619, A replaced by G.
Protein change: p.Met207Val; replaces methionine 207 with valine.
Molecular consequence: missense variant. On other transcripts: 3 prime UTR variant (1).
Genome position (GRCh38, 1-based): chr3:128,064,879, A>G. VCF-style: chr3-128064879-A-G. GRCh37 (hg19) VCF-style: chr3-127783722-A-G.
Other names: c.637A>G, p.Met213Val (NM_001400328.1); c.460A>G, p.Met154Val (NM_001400329.1); c.*333T>C (NM_001319086.1); short protein forms M207V, M154V, M213V.
Identifiers: ClinVar variation 2722263 (VCV002722263.3), dbSNP rs1941916190, ClinGen allele CA354397193.

ClinVar aggregate classification (germline): Uncertain significance (1 of 4 stars; one submission).

Allele frequency attached by ClinVar (database versions not stated): TOPMed below 0.00001.

Submission:

Labcorp Genetics (formerly Invitae), Labcorp
Classification: Uncertain significance. Last evaluated: 2023-08-17. Review status: criteria provided, single submitter. Criteria: Invitae Variant Classification Sherloc (09022015). Collection method: clinical testing. Allele origin: germline.
Comment: This sequence change replaces methionine, which is neutral and non-polar, with valine, which is neutral and non-polar, at codon 207 of the SEC61A1 protein (p.Met207Val). This variant is not present in population databases (gnomAD no frequency). This variant has not been reported in the literature in individuals affected with SEC61A1-related conditions. An algorithm developed to predict the effect of missense changes on protein structure and function (PolyPhen-2) suggests that this variant is likely to be tolerated. In summary, the available evidence is currently insufficient to determine the role of this variant in disease. Therefore, it has been classified as a Variant of Uncertain Significance.